The following is an entry in ClinVar:

ClinVar aggregate classification (germline): Conflicting classifications of pathogenicity. Review status: criteria provided, conflicting classifications (1 of 4 stars). 2 submissions from 2 submitters: Uncertain significance (1); Likely benign (1). Last evaluated 2018-05-18.

Conditions:
Autosomal recessive limb-girdle muscular dystrophy type 2J (LGMDR10). Also called: Limb-girdle muscular dystrophy, type 2J; MUSCULAR DYSTROPHY, LIMB-GIRDLE, AUTOSOMAL RECESSIVE 10. Identifiers: Orphanet 140922, MedGen C1837342, MONDO:0012127, OMIM 608807.
Dilated cardiomyopathy 1G (CMD1G). Identifiers: Orphanet 154, MedGen C1858763, MONDO:0011400, OMIM 604145.

Allele frequency attached by ClinVar (database versions not stated): TOPMed below 0.00001.
gnomAD v4.1: 29 of 1,612,964 alleles (0.0018%); highest among the groups gnomAD compares: Non-Finnish European, 0.0024%; no homozygotes.

Submissions (2):

GeneDx
Classification: Likely benign. Last evaluated: 2018-05-18. Review status: criteria provided, single submitter. Criteria: GeneDx Variant Classification (06012015). Collection method: clinical testing. Allele origin: germline. Affected: yes.
Comment: This variant is considered likely benign or benign based on one or more of the following criteria: it is a conservative change, it occurs at a poorly conserved position in the protein, it is predicted to be benign by multiple in silico algorithms, and/or has population frequency not consistent with disease.

Labcorp Genetics (formerly Invitae), Labcorp
Classification: Uncertain significance for Dilated cardiomyopathy 1G; Autosomal recessive limb-girdle muscular dystrophy type 2J. Last evaluated: 2017-09-15. Review status: criteria provided, single submitter. Criteria: Invitae Variant Classification Sherloc (09022015). Collection method: clinical testing. Allele origin: germline.

NM_001267550.2(TTN):c.71305A>T (p.Thr23769Ser)

Genes: TTN (titin; minus strand), TTN-AS1 (TTN antisense RNA 1; plus strand). Cytogenetic location: 2q31.2.
Variant type: single nucleotide variant.
Coding change: c.71305A>T on transcript NM_001267550.2 (MANE Select); coding-DNA position 71305, A replaced by T.
Protein change: p.Thr23769Ser; replaces threonine 23769 with serine.
Molecular consequence: missense variant.
Genome position (GRCh38, 1-based): chr2:178,574,827, T>A on the plus strand (A>T on the coding strand, the complement: TTN is on the minus strand). VCF-style: chr2-178574827-T-A. GRCh37 (hg19) VCF-style: chr2-179439554-T-A.
Other names: c.66382A>T, p.Thr22128Ser (NM_001256850.1); c.44110A>T, p.Thr14704Ser (NM_003319.4); c.63601A>T, p.Thr21201Ser (NM_133378.4); c.44485A>T, p.Thr14829Ser (NM_133432.3); c.44686A>T, p.Thr14896Ser (NM_133437.4); short protein forms T23769S, T14896S, T14704S, T14829S, T21201S, T22128S.
Identifiers: ClinVar variation 535665 (VCV000535665.4), dbSNP rs776889753, ClinGen allele CA1990651.